The following is an entry in ClinVar:

NM_002160.4(TNC):c.6592C>T (p.Arg2198Cys)

Gene: TNC (tenascin C; minus strand). Cytogenetic location: 9q33.1.
Variant type: single nucleotide variant.
Coding change: c.6592C>T on transcript NM_002160.4 (MANE Select); coding-DNA position 6592, C replaced by T.
Protein change: p.Arg2198Cys; replaces arginine 2198 with cysteine.
Molecular consequence: missense variant.
Genome position (GRCh38, 1-based): chr9:115,021,171, G>A on the plus strand (C>T on the coding strand, the complement: TNC is on the minus strand). VCF-style: chr9-115021171-G-A. GRCh37 (hg19) VCF-style: chr9-117783450-G-A.
Other names: c.6046C>T, p.Arg2016Cys (NM_001410991.1); short protein forms R2016C, R2198C.
Identifiers: ClinVar variation 2216598 (VCV002216598.2), dbSNP rs143636742, ClinGen allele CA198673794.
Genomic context (GRCh38, chr9:115,021,171, plus strand): 5'-CCTCGCTCTGGGCCTTATTCCTCTCTCACCCAGTGGTCCCTGGAATTTATGCCCGTTTGC[G>A]CCTGCCTTCAAGATTTCTGAAGTTGCTTGGTCTCAGCTTCATCTCAGCAAACTGGATTGA-3'
Protein context (NP_002151.2, residues 2188-2201): PSNFRNLEGR[Arg2198Cys]KRA

ClinVar aggregate classification (germline): Uncertain significance (1 of 4 stars; one submission).

Allele frequency attached by ClinVar (database versions not stated): ESP Exome Variant Server 0.00008.
gnomAD v4.1: 16 of 1,613,456 alleles (0.00099%); highest among the groups gnomAD compares: African/African-American, 0.016%; no homozygotes.

Submission:

Ambry Genetics
Classification: Uncertain significance. Last evaluated: 2021-01-07. Review status: criteria provided, single submitter. Criteria: Ambry Variant Classification Scheme 2023. Collection method: clinical testing. Allele origin: germline.
Comment: The c.6592C>T (p.R2198C) alteration is located in exon 28 (coding exon 27) of the TNC gene. This alteration results from a C to T substitution at nucleotide position 6592, causing the arginine (R) at amino acid position 2198 to be replaced by a cysteine (C). The p.R2198C alteration is predicted to be tolerated by in silico analysis. Based on insufficient or conflicting evidence, the clinical significance of this alteration remains unclear.